The following is an entry in ClinVar:

ClinVar aggregate classification (germline): Uncertain significance (1 of 4 stars; one submission).

Submission:

Women's Health and Genetics/Laboratory Corporation of America, LabCorp
Classification: Uncertain significance. Last evaluated: 2019-04-22. Review status: criteria provided, single submitter. Criteria: LabCorp Variant Classification Summary - May 2015. Collection method: clinical testing. Allele origin: germline.
Comment: Variant summary: BRCA1 c.369T>C alters a non-conserved nucleotide resulting in a synonymous change. 5/5 computational tools predict no significant impact on normal splicing. However, these predictions have yet to be confirmed by functional studies. The variant was absent in 251422 control chromosomes (gnomAD). The available data on variant occurrences in the general population are insufficient to allow any conclusion about variant significance. To our knowledge, no occurrence of c.369T>C in individuals affected with Hereditary Breast and Ovarian Cancer and no experimental evidence demonstrating its impact on protein function have been reported. No clinical diagnostic laboratories have submitted clinical-significance assessments for this variant to ClinVar after 2014. Based on the evidence outlined above, the variant was classified as VUS-possibly benign.

NM_007294.4(BRCA1):c.369T>C (p.Ser123=)

Gene: BRCA1 (BRCA1 DNA repair associated; minus strand). Cytogenetic location: 17q21.31.
Variant type: single nucleotide variant.
Coding change: c.369T>C on transcript NM_007294.4 (MANE Select); coding-DNA position 369, T replaced by C.
Protein change: p.Ser123=; no amino-acid change (serine 123 retained).
Molecular consequence: synonymous variant. On other transcripts: intron variant (2), 5 prime UTR variant (7).
Genome position (GRCh38, 1-based): chr17:43,104,194, A>G on the plus strand (T>C on the coding strand, the complement: BRCA1 is on the minus strand). VCF-style: chr17-43104194-A-G. GRCh37 (hg19) VCF-style: chr17-41256211-A-G.
Other names: c.228T>C, p.Ser76= (NM_007297.4, NM_001408511.1, NM_001407692.1 and 99 more transcripts); c.369T>C, p.Ser123= (NM_007298.4, NM_007299.4, NM_007300.4 and 165 more transcripts); c.-218-9334T>C (NM_001407967.1, NM_001407966.1); c.-13T>C (NM_001408510.1, NM_001408512.1, NM_001407959.1 and 4 more transcripts); c.159T>C, p.Ser53= (NM_001408513.1, NM_001408514.1, NM_001407571.1 and 58 more transcripts); c.291T>C, p.Ser97= (NM_001407654.1, NM_001407655.1, NM_001407656.1 and 21 more transcripts); c.360T>C, p.Ser120= (NM_001407646.1, NM_001407647.1, NM_001408408.1); c.237T>C, p.Ser79= (NM_001408451.1).
Identifiers: ClinVar variation 929006 (VCV000929006.2), dbSNP rs774583925, ClinGen allele CA500126846.
Genomic context (GRCh38, chr17:43,104,194, plus strand): 5'-TTCGGGTTCACTCTGTAGAAGTCTTTTGGCACGGTTTCTGTAGCCCATACTTTGGATGAT[A>G]GAAACTTCATCTTTTAGATGTTCAGGAGAGTTATTTTCCTTTTTTGCAAAATTATAGCTG-3'
Protein context (NP_009225.1, residues 113-133): NSPEHLKDEV[Ser123=]IIQSMGYRNR